The following is an entry in ClinVar:

ClinVar aggregate classification (germline): Pathogenic (1 of 4 stars; one submission).

Submission:

Labcorp Genetics (formerly Invitae), Labcorp
Classification: Pathogenic. Last evaluated: 2021-11-04. Review status: criteria provided, single submitter. Criteria: Invitae Variant Classification Sherloc (09022015). Collection method: clinical testing. Allele origin: germline.
Comment: For these reasons, this variant has been classified as Pathogenic. Algorithms developed to predict the effect of sequence changes on RNA splicing suggest that this variant may create or strengthen a splice site. This premature translational stop signal has been observed in individual(s) with albinism (PMID: 29345414). This variant is not present in population databases (gnomAD no frequency). This sequence change creates a premature translational stop signal (p.Tyr199*) in the GPR143 gene. It is expected to result in an absent or disrupted protein product. Loss-of-function variants in GPR143 are known to be pathogenic (PMID: 15965158, 18978956, 19390656, 21541274, 26160353, 28211458).

Literature cited by the submitters: PubMed 29345414; PubMed 15965158; PubMed 18978956; PubMed 19390656; PubMed 21541274; PubMed 26160353; PubMed 28211458.

NM_000273.3(GPR143):c.597C>A (p.Tyr199Ter)

Gene: GPR143 (G protein-coupled receptor 143; minus strand). Cytogenetic location: Xp22.2.
Variant type: single nucleotide variant.
Coding change: c.597C>A on transcript NM_000273.3 (MANE Select); coding-DNA position 597, C replaced by A.
Protein change: p.Tyr199Ter; replaces tyrosine 199 with a stop codon.
Molecular consequence: nonsense.
Genome position (GRCh38, 1-based): chrX:9,746,105, G>T on the plus strand (C>A on the coding strand, the complement: GPR143 is on the minus strand). VCF-style: chrX-9746105-G-T. GRCh37 (hg19) VCF-style: chrX-9714145-G-T.
Other names: short protein forms Y199*.
Identifiers: ClinVar variation 1437914 (VCV001437914.6), dbSNP rs2146689530, ClinGen allele CA411997331.
Genomic context (GRCh38, chrX:9,746,105, plus strand): 5'-TGCAGTCACTGTCTTTTGGAACAGGATGGGGTTCGCCACGAGAACCAGCAGCAGGGGCAG[G>T]TACATGGTGACATAGTGGGGGATGGCGTGGTCCAGGCCCCGCTCACACCTGAGAGAGGAA-3'